The following is an entry in ClinVar:

ClinVar aggregate classification (germline): Uncertain significance (1 of 4 stars; one submission).

Conditions:
Developmental delay, impaired speech, and behavioral abnormalities. Identifiers: MedGen C5561957, MONDO:0859178, OMIM 619475.

Submission:

Dasa
Classification: Uncertain significance for developmental delay, impaired speech, and behavioral abnormalities. Last evaluated: 2024-12-30. Review status: criteria provided, single submitter. Criteria: DASA Assertion Criteria. Collection method: clinical testing. Allele origin: germline.
Comment: NM_003128.3(SPTBN1):c.6357-10T>G is a splice-region variant. This variant is absent from population databases. Computational prediction algorithms are consistent with a benign effect. The currently available literature and clinical evidence are not sufficient to establish a definitive association between this variant and the reported condition. Therefore, this variant is classified as a variant of uncertain significance.

NM_003128.3(SPTBN1):c.6357-10T>G

Gene: SPTBN1 (spectrin beta, non-erythrocytic 1; plus strand). Cytogenetic location: 2p16.2.
Variant type: single nucleotide variant.
Coding change: c.6357-10T>G on transcript NM_003128.3 (MANE Select); 10 bases into the intron before coding-DNA position 6357, T replaced by G.
Molecular consequence: intron variant.
Genome position (GRCh38, 1-based): chr2:54,659,926, T>G. VCF-style: chr2-54659926-T-G. GRCh37 (hg19) VCF-style: chr2-54887063-T-G.
Other names: c.6318-10T>G (NM_178313.3).
Identifiers: ClinVar variation 4881984 (VCV004881984.2).